The following is an entry in ClinVar:

NM_018671.5(UNC45A):c.1250C>T (p.Thr417Met)

Gene: UNC45A (unc-45 myosin chaperone A; plus strand). Cytogenetic location: 15q26.1.
Variant type: single nucleotide variant.
Coding change: c.1250C>T on transcript NM_018671.5 (MANE Select); coding-DNA position 1250, C replaced by T.
Protein change: p.Thr417Met; replaces threonine 417 with methionine.
Molecular consequence: missense variant.
Genome position (GRCh38, 1-based): chr15:90,946,664, C>T. VCF-style: chr15-90946664-C-T. GRCh37 (hg19) VCF-style: chr15-91489894-C-T.
Other names: c.1205C>T, p.Thr402Met (NM_001039675.2, NM_001323621.2); c.1250C>T, p.Thr417Met (NM_001323619.1); c.815C>T, p.Thr272Met (NM_001323620.2); c.1250C>T (NM_018671.3); short protein forms T417M, T272M, T402M.
Identifiers: ClinVar variation 1389857 (VCV001389857.4), dbSNP rs199668693, ClinGen allele CA7742838.

ClinVar aggregate classification (germline): Uncertain significance. Review status: criteria provided, multiple submitters, no conflicts (2 of 4 stars). 2 submissions from 2 submitters: Uncertain significance (2). Last evaluated 2022-11-08.

Conditions:
Inborn genetic diseases. Identifiers: MedGen C0950123, MeSH D030342.

Allele frequency attached by ClinVar (database versions not stated): gnomAD 0.00009; TOPMed 0.00009; ESP Exome Variant Server 0.00015; 1000 Genomes Project 30x 0.00016; 1000 Genomes Project 0.00020.
gnomAD v4.1: 222 of 1,612,074 alleles (0.014%); highest among the groups gnomAD compares: Non-Finnish European, 0.018%; no homozygotes.

Submissions (2):

Ambry Genetics
Classification: Uncertain significance for Inborn genetic diseases. Last evaluated: 2022-11-08. Review status: criteria provided, single submitter. Criteria: Ambry Variant Classification Scheme 2023. Collection method: clinical testing. Allele origin: germline.

Labcorp Genetics (formerly Invitae), Labcorp
Classification: Uncertain significance. Last evaluated: 2022-08-15. Review status: criteria provided, single submitter. Criteria: Invitae Variant Classification Sherloc (09022015). Collection method: clinical testing. Allele origin: germline.
Comment: This sequence change replaces threonine, which is neutral and polar, with methionine, which is neutral and non-polar, at codon 417 of the UNC45A protein (p.Thr417Met). This variant is present in population databases (rs199668693, gnomAD 0.02%). This variant has not been reported in the literature in individuals affected with UNC45A-related conditions. ClinVar contains an entry for this variant (Variation ID: 1389857). Algorithms developed to predict the effect of missense changes on protein structure and function are either unavailable or do not agree on the potential impact of this missense change (SIFT: "Not Available"; PolyPhen-2: "Benign"; Align-GVGD: "Not Available"). In summary, the available evidence is currently insufficient to determine the role of this variant in disease. Therefore, it has been classified as a Variant of Uncertain Significance.